The following is an entry in ClinVar:

NM_001042492.3(NF1):c.6306_6307insT (p.Leu2103fs)

Gene: NF1 (neurofibromin 1; plus strand). Cytogenetic location: 17q11.2.
Variant type: Insertion.
Coding change: c.6306_6307insT on transcript NM_001042492.3 (MANE Select); coding-DNA positions 6306 to 6307, T inserted.
Protein change: p.Leu2103fs; shifts the reading frame from leucine 2103.
Molecular consequence: frameshift variant.
Genome position: GRCh38 VCF-style: chr17-31336793-C-CT. GRCh37 (hg19) VCF-style: chr17-29663811-C-CT.
Other names: c.6243_6244insT, p.Leu2082Serfs (NM_000267.4); short protein forms L2103fs, L2082fs.
Identifiers: ClinVar variation 231976 (VCV000231976.3), dbSNP rs876659471, ClinGen allele CA10580374.

ClinVar aggregate classification (germline): Pathogenic (1 of 4 stars; one submission).

Conditions:
Hereditary cancer-predisposing syndrome. Also called: Neoplastic Syndromes, Hereditary; Tumor predisposition; Hereditary Cancer Syndrome; Hereditary neoplastic syndrome. Identifiers: Orphanet 140162, MedGen C0027672, MeSH D009386, MONDO:0015356.

Submission:

Ambry Genetics
Classification: Pathogenic for Hereditary cancer-predisposing syndrome. Last evaluated: 2015-05-25. Review status: criteria provided, single submitter. Criteria: Ambry Autosomal Dominant and X-Linked criteria (10/2015). Collection method: clinical testing. Allele origin: germline. Observed: 1 variant allele.
Comment: The c.6306_6307insT pathogenic mutation,located in coding exon 42 of the NF1 gene, results from an insertion of one nucleotide at position 6306, causing a translational frameshift with a predicted alternate stop codon. Since frameshifts are typically deleterious in nature, this alteration is interpreted as a disease-causing mutation (ACMG Recommendations for Standards for Interpretation and Reporting of Sequence Variations. Revision 2007. Genet Med. 2008;10:294).